The following is an entry in ClinVar:

NM_000263.4(NAGLU):c.1601C>T (p.Ser534Phe)

Gene: NAGLU (N-acetyl-alpha-glucosaminidase; plus strand). Cytogenetic location: 17q21.2.
Variant type: single nucleotide variant.
Coding change: c.1601C>T on transcript NM_000263.4 (MANE Select); coding-DNA position 1601, C replaced by T.
Protein change: p.Ser534Phe; replaces serine 534 with phenylalanine.
Molecular consequence: missense variant.
Genome position (GRCh38, 1-based): chr17:42,543,607, C>T. VCF-style: chr17-42543607-C-T. GRCh37 (hg19) VCF-style: chr17-40695625-C-T.
Other names: short protein forms S534F.
Identifiers: ClinVar variation 1512279 (VCV001512279.8), dbSNP rs2092928280, ClinGen allele CA399604264.

ClinVar aggregate classification (germline): Uncertain significance (1 of 4 stars; one submission).

Conditions:
Mucopolysaccharidosis, MPS-III-B (MPS3B). Also called: N-ACETYL-ALPHA-D-GLUCOSAMINIDASE DEFICIENCY; NAGLU DEFICIENCY; SANFILIPPO SYNDROME B; MPS III B; MPS IIIB (Sanfilippo Syndrome Type B); MUCOPOLYSACCHARIDOSIS, TYPE IIIB. Identifiers: Orphanet 79270, MedGen C0086648, MONDO:0009656, OMIM 252920.
Charcot-Marie-Tooth disease axonal type 2V. Also called: CHARCOT-MARIE-TOOTH NEUROPATHY, TYPE 2V; CHARCOT-MARIE-TOOTH DISEASE, AXONAL, AUTOSOMAL DOMINANT, TYPE 2V. Identifiers: Orphanet 447964, MedGen C5569050, MONDO:0014665, OMIM 616491.

Allele frequency attached by ClinVar (database versions not stated): gnomAD exomes 0.00001.
gnomAD v4.1: 6 of 1,613,156 alleles (0.00037%); highest among the groups gnomAD compares: East Asian, 0.013%; no homozygotes.

Submission:

Labcorp Genetics (formerly Invitae), Labcorp
Classification: Uncertain significance for Charcot-Marie-Tooth disease axonal type 2V; Mucopolysaccharidosis, MPS-III-B. Last evaluated: 2021-02-24. Review status: criteria provided, single submitter. Criteria: Invitae Variant Classification Sherloc (09022015). Collection method: clinical testing. Allele origin: germline.
Comment: This variant has not been reported in the literature in individuals with NAGLU-related conditions. Advanced modeling of protein sequence and biophysical properties (such as structural, functional, and spatial information, amino acid conservation, physicochemical variation, residue mobility, and thermodynamic stability) performed at Invitae indicates that this missense variant is expected to disrupt NAGLU protein function. In summary, the available evidence is currently insufficient to determine the role of this variant in disease. Therefore, it has been classified as a Variant of Uncertain Significance. This variant is not present in population databases (ExAC no frequency). This sequence change replaces serine with phenylalanine at codon 534 of the NAGLU protein (p.Ser534Phe). The serine residue is highly conserved and there is a large physicochemical difference between serine and phenylalanine.